The following is an entry in ClinVar:

ClinVar aggregate classification (germline): Uncertain significance. Review status: criteria provided, multiple submitters, no conflicts (2 of 4 stars). 3 submissions from 3 submitters: Uncertain significance (3). Last evaluated 2025-08-28.

Conditions:
Inborn genetic diseases. Identifiers: MedGen C0950123, MeSH D030342.
L-2-hydroxyglutaric aciduria (L2HGA). Identifiers: Orphanet 79314, MedGen C1855995, MONDO:0009370, OMIM 236792, HP:0040144.

Allele frequency attached by ClinVar (database versions not stated): gnomAD below 0.00001 and 0.00001; TOPMed 0.00001; gnomAD exomes 0.00003 and 0.00007; ExAC 0.00010.
gnomAD v4.1: 48 of 1,613,914 alleles (0.003%); highest among the groups gnomAD compares: South Asian, 0.053%; no homozygotes.

Submissions (3):

Ambry Genetics
Classification: Uncertain significance for Inborn genetic diseases. Last evaluated: 2025-08-28. Review status: criteria provided, single submitter. Criteria: Ambry Variant Classification Scheme 2023. Collection method: clinical testing. Allele origin: germline.

Labcorp Genetics (formerly Invitae), Labcorp
Classification: Uncertain significance for L-2-hydroxyglutaric aciduria. Last evaluated: 2021-05-03. Review status: criteria provided, single submitter. Criteria: Invitae Variant Classification Sherloc (09022015). Collection method: clinical testing. Allele origin: germline.
Comment: In summary, the available evidence is currently insufficient to determine the role of this variant in disease. Therefore, it has been classified as a Variant of Uncertain Significance. Algorithms developed to predict the effect of missense changes on protein structure and function (SIFT, PolyPhen-2, Align-GVGD) all suggest that this variant is likely to be disruptive, but these predictions have not been confirmed by published functional studies and their clinical significance is uncertain. This variant has not been reported in the literature in individuals with L2HGDH-related conditions. ClinVar contains an entry for this variant (Variation ID: 1028351). This variant is present in population databases (rs763449413, ExAC 0.07%). This sequence change replaces isoleucine with threonine at codon 278 of the L2HGDH protein (p.Ile278Thr). The isoleucine residue is highly conserved and there is a moderate physicochemical difference between isoleucine and threonine.

Baylor Genetics
Classification: Uncertain significance for L-2-hydroxyglutaric aciduria. Last evaluated: 2020-12-18. Review status: criteria provided, single submitter. Criteria: ACMG Guidelines, 2015. Collection method: clinical testing. Allele origin: unknown. Affected: yes.
Comment: This variant was determined to be of uncertain significance according to ACMG Guidelines, 2015 [PMID:25741868].

NM_024884.3(L2HGDH):c.833T>C (p.Ile278Thr)

Gene: L2HGDH (L-2-hydroxyglutarate dehydrogenase; minus strand). Cytogenetic location: 14q21.3.
Variant type: single nucleotide variant.
Coding change: c.833T>C on transcript NM_024884.3 (MANE Select); coding-DNA position 833, T replaced by C.
Protein change: p.Ile278Thr; replaces isoleucine 278 with threonine.
Molecular consequence: missense variant.
Genome position (GRCh38, 1-based): chr14:50,269,236, A>G on the plus strand (T>C on the coding strand, the complement: L2HGDH is on the minus strand). VCF-style: chr14-50269236-A-G. GRCh37 (hg19) VCF-style: chr14-50735954-A-G.
Other names: short protein forms I278T.
Identifiers: ClinVar variation 1028351 (VCV001028351.9), dbSNP rs763449413, ClinGen allele CA7177877.